The following is an entry in ClinVar:

NM_020366.4(RPGRIP1):c.1711C>G (p.Arg571Gly)

Gene: RPGRIP1 (RPGR interacting protein 1; plus strand). Cytogenetic location: 14q11.2.
Variant type: single nucleotide variant.
Coding change: c.1711C>G on transcript NM_020366.4 (MANE Select); coding-DNA position 1711, C replaced by G.
Protein change: p.Arg571Gly; replaces arginine 571 with glycine.
Molecular consequence: missense variant.
Genome position (GRCh38, 1-based): chr14:21,321,953, C>G. VCF-style: chr14-21321953-C-G. GRCh37 (hg19) VCF-style: chr14-21790112-C-G.
Other names: c.637C>G, p.Arg213Gly (NM_001377523.1, NM_001377948.1, NM_001377949.1 and 1 more transcripts); c.139C>G, p.Arg47Gly (NM_001377951.1); c.1711C>G (NM_020366.3); short protein forms R213G, R47G, R571G.
Identifiers: ClinVar variation 2192855 (VCV002192855.2), dbSNP rs1246707448, ClinGen allele CA388865945.

ClinVar aggregate classification (germline): Uncertain significance. Review status: criteria provided, multiple submitters, no conflicts (2 of 4 stars). 2 submissions from 2 submitters: Uncertain significance (2). Last evaluated 2024-06-18.

Conditions:
Inborn genetic diseases. Identifiers: MedGen C0950123, MeSH D030342.
Leber congenital amaurosis 6 (LCA6). Identifiers: Orphanet 65, MedGen C1854260, MONDO:0013446, OMIM 613826.
Cone-rod dystrophy 13 (CORD13). Identifiers: Orphanet 1872, MedGen C2750720, MONDO:0011987, OMIM 608194.

Submissions (2):

Ambry Genetics
Classification: Uncertain significance for Inborn genetic diseases. Last evaluated: 2024-06-18. Review status: criteria provided, single submitter. Criteria: Ambry Variant Classification Scheme 2023. Collection method: clinical testing. Allele origin: germline.

Labcorp Genetics (formerly Invitae), Labcorp
Classification: Uncertain significance for Leber congenital amaurosis 6; Cone-rod dystrophy 13. Last evaluated: 2022-03-02. Review status: criteria provided, single submitter. Criteria: Invitae Variant Classification Sherloc (09022015). Collection method: clinical testing. Allele origin: germline.
Comment: This sequence change replaces arginine, which is basic and polar, with glycine, which is neutral and non-polar, at codon 571 of the RPGRIP1 protein (p.Arg571Gly). This variant is present in population databases (no rsID available, gnomAD 0.003%). This variant has not been reported in the literature in individuals affected with RPGRIP1-related conditions. Algorithms developed to predict the effect of missense changes on protein structure and function (SIFT, PolyPhen-2, Align-GVGD) all suggest that this variant is likely to be disruptive. In summary, the available evidence is currently insufficient to determine the role of this variant in disease. Therefore, it has been classified as a Variant of Uncertain Significance.